The following is an entry in ClinVar:

ClinVar aggregate classification (germline): Likely benign (1 of 4 stars; one submission).

gnomAD v4.1: 2 of 1,546,004 alleles (0.00013%); highest among the groups gnomAD compares: Admixed American, 0.002%; no homozygotes.

Submission:

Mayo Clinic Laboratories, Mayo Clinic
Classification: Likely benign. Last evaluated: 2025-10-08. Review status: criteria provided, single submitter. Criteria: ACMG Guidelines, 2015. Collection method: clinical testing. Allele origin: germline. Observed: 1 variant allele.
Comment: BP4, BP7, PM2_supporting

NM_001367624.2(ZNF469):c.2340C>T (p.Pro780=)

Gene: ZNF469 (zinc finger protein 469; plus strand). Cytogenetic location: 16q24.2.
Variant type: single nucleotide variant.
Coding change: c.2340C>T on transcript NM_001367624.2 (MANE Select); coding-DNA position 2340, C replaced by T.
Protein change: p.Pro780=; no amino-acid change (proline 780 retained).
Molecular consequence: synonymous variant.
Genome position (GRCh38, 1-based): chr16:88,429,810, C>T. VCF-style: chr16-88429810-C-T. GRCh37 (hg19) VCF-style: chr16-88496218-C-T.
Other names: p.Pro780=.
Identifiers: ClinVar variation 4684117 (VCV004684117.1).
Genomic context (GRCh38, chr16:88,429,810, plus strand): 5'-CAAGGATGGCCACCAGCGGTCTCCAGGCCCCCCTGGGCTCCCCTCGCCCCCCGCTGCCCC[C>T]AGAGTCCCTGCCGACGCACACGCGGGCTTGCTCAGCCACGCGAAGACCTTCCTGTTAGCT-3'
Protein context (NP_001354553.1, residues 770-790): PPGLPSPPAA[Pro780=]RVPADAHAGL